The following is an entry in ClinVar:

NM_000939.4(POMC):c.286_291dup (p.Ser97_Ser98insGlySer)

Gene: POMC (proopiomelanocortin; minus strand). Cytogenetic location: 2p23.3.
Variant type: Duplication.
Coding change: c.286_291dup on transcript NM_000939.4 (MANE Select); coding-DNA positions 286 to 291, 6 bases duplicated (GGCAGC; older notation c.286_291dupGGCAGC).
Protein change: p.Ser97_Ser98insGlySer.
Molecular consequence: inframe insertion.
Genome position (GRCh38, 1-based): chr2:25,161,594-25,161,599, GCTGCC duplicated on the plus strand (GGCAGC on the coding strand, the reverse complement: POMC is on the minus strand); duplicating any 6 consecutive bases within chr2:25,161,594-25,161,604 gives the same sequence; the c. name uses the placement nearest the transcript's 3' end. VCF-style (leftmost placement, unchanged base first): chr2-25161593-T-TGCTGCC. GRCh37 (hg19) VCF-style: chr2-25384462-T-TGCTGCC.
Other names: c.286_291dup, p.Ser97_Ser98insGlySer (NM_001035256.3, NM_001319204.2, NM_001319205.2).
Identifiers: ClinVar variation 3348633 (VCV003348633.1).

ClinVar aggregate classification (germline): Uncertain significance (0 of 4 stars; one submission).

Conditions:
POMC-related disorder. Also called: POMC-related disorders; POMC-related condition.

Submission:

PreventionGenetics, part of Exact Sciences
Classification: Uncertain significance for POMC-related condition. Last evaluated: 2023-11-09. Review status: no assertion criteria provided. Collection method: clinical testing. Allele origin: germline.
Comment: The POMC c.286_291dup6 variant is predicted to result in an in-frame duplication (p.Gly96_Ser97dup). To our knowledge, this variant has not been reported in the literature or in a large population database, indicating this variant is rare. At this time, the clinical significance of this variant is uncertain due to the absence of conclusive functional and genetic evidence.